The following is an entry in ClinVar:

ClinVar aggregate classification (germline): Uncertain significance (1 of 4 stars; one submission).

Conditions:
Charcot-Marie-Tooth disease type 2. Also called: Charcot-Marie-Tooth type 2. Identifiers: Orphanet 64746, MedGen C0270914, MONDO:0018993.

Allele frequency attached by ClinVar (database versions not stated): ExAC 0.00001; gnomAD 0.00001; TOPMed 0.00001; gnomAD exomes 0.00002 and 0.00001.
gnomAD v4.1: 5 of 1,614,044 alleles (0.00031%); highest among the groups gnomAD compares: Admixed American, 0.0083%; no homozygotes.

Submission:

Labcorp Genetics (formerly Invitae), Labcorp
Classification: Uncertain significance for Charcot-Marie-Tooth disease type 2. Last evaluated: 2022-08-10. Review status: criteria provided, single submitter. Criteria: Invitae Variant Classification Sherloc (09022015). Collection method: clinical testing. Allele origin: germline.
Comment: This variant is present in population databases (rs755219120, gnomAD 0.01%). This sequence change replaces phenylalanine, which is neutral and non-polar, with leucine, which is neutral and non-polar, at codon 665 of the MFN2 protein (p.Phe665Leu). This variant has not been reported in the literature in individuals affected with MFN2-related conditions. ClinVar contains an entry for this variant (Variation ID: 1350566). Advanced modeling of protein sequence and biophysical properties (such as structural, functional, and spatial information, amino acid conservation, physicochemical variation, residue mobility, and thermodynamic stability) performed at Invitae indicates that this missense variant is expected to disrupt MFN2 protein function. In summary, the available evidence is currently insufficient to determine the role of this variant in disease. Therefore, it has been classified as a Variant of Uncertain Significance.

NM_014874.4(MFN2):c.1995T>G (p.Phe665Leu)

Gene: MFN2 (mitofusin 2; plus strand). Cytogenetic location: 1p36.22.
Variant type: single nucleotide variant.
Coding change: c.1995T>G on transcript NM_014874.4 (MANE Select); coding-DNA position 1995, T replaced by G.
Protein change: p.Phe665Leu; replaces phenylalanine 665 with leucine.
Molecular consequence: missense variant.
Genome position (GRCh38, 1-based): chr1:12,007,175, T>G. VCF-style: chr1-12007175-T-G. GRCh37 (hg19) VCF-style: chr1-12067232-T-G.
Other names: c.1995T>G, p.Phe665Leu (NM_001127660.2); short protein forms F665L.
Identifiers: ClinVar variation 1350566 (VCV001350566.8), dbSNP rs755219120, ClinGen allele CA599295.